The following is an entry in ClinVar:

ClinVar aggregate classification (germline): Uncertain significance. Review status: criteria provided, multiple submitters, no conflicts (2 of 4 stars). 3 submissions from 3 submitters: Uncertain significance (3). Last evaluated 2024-07-23.

Conditions:
Inborn genetic diseases. Identifiers: MedGen C0950123, MeSH D030342.

Submissions (3):

Labcorp Genetics (formerly Invitae), Labcorp
Classification: Uncertain significance. Last evaluated: 2024-07-23. Review status: criteria provided, single submitter. Criteria: Invitae Variant Classification Sherloc (09022015). Collection method: clinical testing. Allele origin: germline.
Comment: This sequence change replaces alanine, which is neutral and non-polar, with threonine, which is neutral and polar, at codon 1059 of the USP9X protein (p.Ala1059Thr). This variant is not present in population databases (gnomAD no frequency). This variant has not been reported in the literature in individuals affected with USP9X-related conditions. ClinVar contains an entry for this variant (Variation ID: 2438498). An algorithm developed to predict the effect of missense changes on protein structure and function (PolyPhen-2) suggests that this variant is likely to be tolerated. In summary, the available evidence is currently insufficient to determine the role of this variant in disease. Therefore, it has been classified as a Variant of Uncertain Significance.

Ambry Genetics
Classification: Uncertain significance for Inborn genetic diseases. Last evaluated: 2023-10-14. Review status: criteria provided, single submitter. Criteria: Ambry Variant Classification Scheme 2023. Collection method: clinical testing. Allele origin: germline.

Revvity Omics, Revvity
Classification: Uncertain significance. Last evaluated: 2020-02-08. Review status: criteria provided, single submitter. Criteria: ACMG Guidelines, 2015. Collection method: clinical testing. Allele origin: germline.

NM_001039591.3(USP9X):c.3175G>A (p.Ala1059Thr)

Gene: USP9X (ubiquitin specific peptidase 9 X-linked; plus strand). Cytogenetic location: Xp11.4.
Variant type: single nucleotide variant.
Coding change: c.3175G>A on transcript NM_001039591.3 (MANE Select); coding-DNA position 3175, G replaced by A.
Protein change: p.Ala1059Thr; replaces alanine 1059 with threonine.
Molecular consequence: missense variant.
Genome position (GRCh38, 1-based): chrX:41,184,024, G>A. VCF-style: chrX-41184024-G-A. GRCh37 (hg19) VCF-style: chrX-41043277-G-A.
Other names: c.3175G>A, p.Ala1059Thr (NM_001039590.3); c.3190G>A, p.Ala1064Thr (NM_001410748.1, NM_001410749.1); short protein forms A1059T, A1064T.
Identifiers: ClinVar variation 2438498 (VCV002438498.6), dbSNP rs774649513, ClinGen allele CA412763885.